The following is an entry in ClinVar:

ClinVar aggregate classification (germline): Uncertain significance (1 of 4 stars; one submission).

gnomAD v4.1: 2 of 1,614,184 alleles (0.00012%); highest among the groups gnomAD compares: South Asian, 0.0011%; no homozygotes.

Submission:

Labcorp Genetics (formerly Invitae), Labcorp
Classification: Uncertain significance. Last evaluated: 2024-02-05. Review status: criteria provided, single submitter. Criteria: Invitae Variant Classification Sherloc (09022015). Collection method: clinical testing. Allele origin: germline.
Comment: This sequence change replaces methionine, which is neutral and non-polar, with threonine, which is neutral and polar, at codon 941 of the KL protein (p.Met941Thr). This variant is present in population databases (no rsID available, gnomAD 0.0009%). This variant has not been reported in the literature in individuals affected with KL-related conditions. ClinVar contains an entry for this variant (Variation ID: 1950852). Advanced modeling of protein sequence and biophysical properties (such as structural, functional, and spatial information, amino acid conservation, physicochemical variation, residue mobility, and thermodynamic stability) performed at Invitae indicates that this missense variant is not expected to disrupt KL protein function with a negative predictive value of 80%. In summary, the available evidence is currently insufficient to determine the role of this variant in disease. Therefore, it has been classified as a Variant of Uncertain Significance.

NM_004795.4(KL):c.2822T>C (p.Met941Thr)

Gene: KL (klotho; plus strand). Cytogenetic location: 13q13.1.
Variant type: single nucleotide variant.
Coding change: c.2822T>C on transcript NM_004795.4 (MANE Select); coding-DNA position 2822, T replaced by C.
Protein change: p.Met941Thr; replaces methionine 941 with threonine.
Molecular consequence: missense variant.
Genome position (GRCh38, 1-based): chr13:33,063,969, T>C. VCF-style: chr13-33063969-T-C. GRCh37 (hg19) VCF-style: chr13-33638106-T-C.
Other names: short protein forms M941T.
Identifiers: ClinVar variation 1950852 (VCV001950852.5), dbSNP rs544370014, ClinGen allele CA387800199.